The following is an entry in ClinVar:

NM_001270.4(CHD1):c.3148G>T (p.Asp1050Tyr)

Gene: CHD1 (chromodomain helicase DNA binding protein 1; minus strand). Cytogenetic location: 5q15.
Variant type: single nucleotide variant.
Coding change: c.3148G>T on transcript NM_001270.4 (MANE Select); coding-DNA position 3148, G replaced by T.
Protein change: p.Asp1050Tyr; replaces aspartic acid 1050 with tyrosine.
Molecular consequence: missense variant. On other transcripts: non-coding transcript variant (2).
Genome position (GRCh38, 1-based): chr5:98,879,641, C>A on the plus strand (G>T on the coding strand, the complement: CHD1 is on the minus strand). VCF-style: chr5-98879641-C-A. GRCh37 (hg19) VCF-style: chr5-98215345-C-A.
Other names: c.3148G>T, p.Asp1050Tyr (NM_001364113.3, NM_001376194.2); short protein forms D1050Y.
Identifiers: ClinVar variation 3239424 (VCV003239424.19), dbSNP rs984417884.

ClinVar aggregate classification (germline): Uncertain significance (1 of 4 stars; one submission).

Submission:

CeGaT Center for Human Genetics Tuebingen
Classification: Uncertain significance. Last evaluated: 2024-05-01. Review status: criteria provided, single submitter. Criteria: CeGaT Center For Human Genetics Tuebingen Variant Classification Criteria Version 2. Collection method: clinical testing. Allele origin: germline. Affected: yes. Observed: 1 variant allele.
Comment: CHD1: PM2